The following is an entry in ClinVar:

ClinVar aggregate classification (germline): Uncertain significance (1 of 4 stars; one submission).

Conditions:
Glycogen storage disease due to muscle and heart glycogen synthase deficiency. Also called: GSD 0b; MUSCLE GLYCOGEN SYNTHASE DEFICIENCY. Identifiers: Orphanet 137625, MedGen C1969054, MONDO:0012693, OMIM 611556.

Submission:

Labcorp Genetics (formerly Invitae), Labcorp
Classification: Uncertain significance for Glycogen storage disease due to muscle and heart glycogen synthase deficiency. Last evaluated: 2022-03-22. Review status: criteria provided, single submitter. Criteria: Invitae Variant Classification Sherloc (09022015). Collection method: clinical testing. Allele origin: germline.
Comment: In summary, the available evidence is currently insufficient to determine the role of this variant in disease. Therefore, it has been classified as a Variant of Uncertain Significance. Algorithms developed to predict the effect of missense changes on protein structure and function (SIFT, PolyPhen-2, Align-GVGD) all suggest that this variant is likely to be disruptive. This variant has not been reported in the literature in individuals affected with GYS1-related conditions. This variant is not present in population databases (gnomAD no frequency). This sequence change replaces glycine, which is neutral and non-polar, with glutamic acid, which is acidic and polar, at codon 523 of the GYS1 protein (p.Gly523Glu).

NM_002103.5(GYS1):c.1568G>A (p.Gly523Glu)

Genes: GYS1 (glycogen synthase 1; minus strand), LOC119369037 (CRISPRi-FlowFISH-validated FTL regulatory element 4; plus strand). Cytogenetic location: 19q13.33.
Variant type: single nucleotide variant.
Coding change: c.1568G>A on transcript NM_002103.5 (MANE Select); coding-DNA position 1568, G replaced by A.
Protein change: p.Gly523Glu; replaces glycine 523 with glutamic acid.
Molecular consequence: missense variant. On other transcripts: non-coding transcript variant (1).
Genome position (GRCh38, 1-based): chr19:48,971,005, C>T on the plus strand (G>A on the coding strand, the complement: GYS1 is on the minus strand). VCF-style: chr19-48971005-C-T. GRCh37 (hg19) VCF-style: chr19-49474262-C-T.
Other names: c.1376G>A, p.Gly459Glu (NM_001161587.2); short protein forms G523E, G459E.
Identifiers: ClinVar variation 1465542 (VCV001465542.8), dbSNP rs2122462376, ClinGen allele CA406760656.